The following is an entry in ClinVar:

NM_018076.5(ODAD2):c.1063C>G (p.Gln355Glu)

Gene: ODAD2 (outer dynein arm docking complex subunit 2; minus strand). Cytogenetic location: 10p12.1.
Variant type: single nucleotide variant.
Coding change: c.1063C>G on transcript NM_018076.5 (MANE Select); coding-DNA position 1063, C replaced by G.
Protein change: p.Gln355Glu; replaces glutamine 355 with glutamic acid.
Molecular consequence: missense variant. On other transcripts: intron variant (1).
Genome position (GRCh38, 1-based): chr10:27,971,187, G>C on the plus strand (C>G on the coding strand, the complement: ODAD2 is on the minus strand). VCF-style: chr10-27971187-G-C. GRCh37 (hg19) VCF-style: chr10-28260116-G-C.
Other names: c.1063C>G, p.Gln355Glu (NM_001290020.2); c.139C>G, p.Gln47Glu (NM_001312689.2); c.-187-9472C>G (NM_001290021.2); short protein forms Q355E, Q47E.
Identifiers: ClinVar variation 1681385 (VCV001681385.6), dbSNP rs2132985441, ClinGen allele CA376394304.

ClinVar aggregate classification (germline): Uncertain significance (1 of 4 stars; one submission).

Conditions:
Primary ciliary dyskinesia 23 (CILD23). Also called: CILIARY DYSKINESIA, PRIMARY, 23, WITH OR WITHOUT SITUS INVERSUS. Identifiers: Orphanet 244, MedGen C3809548, MONDO:0014193, OMIM 615451.

Allele frequency attached by ClinVar (database versions not stated): gnomAD exomes below 0.00001.
gnomAD v4.1: 2 of 1,613,826 alleles (0.00012%); highest among the groups gnomAD compares: African/African-American, 0.0027%; no homozygotes.

Submission:

Labcorp Genetics (formerly Invitae), Labcorp
Classification: Uncertain significance for Primary ciliary dyskinesia 23. Last evaluated: 2025-06-12. Review status: criteria provided, single submitter. Criteria: Invitae Variant Classification Sherloc (09022015). Collection method: clinical testing. Allele origin: germline.
Comment: This sequence change replaces glutamine, which is neutral and polar, with glutamic acid, which is acidic and polar, at codon 355 of the ARMC4 protein (p.Gln355Glu). This variant is not present in population databases (gnomAD no frequency). This variant has not been reported in the literature in individuals affected with ARMC4-related conditions. ClinVar contains an entry for this variant (Variation ID: 1681385). An algorithm developed to predict the effect of missense changes on protein structure and function (PolyPhen-2) suggests that this variant is likely to be tolerated. In summary, the available evidence is currently insufficient to determine the role of this variant in disease. Therefore, it has been classified as a Variant of Uncertain Significance.